The following is an entry in ClinVar:

NM_024753.5(TTC21B):c.1303C>G (p.Leu435Val)

Gene: TTC21B (tetratricopeptide repeat domain 21B; minus strand). Cytogenetic location: 2q24.3.
Variant type: single nucleotide variant.
Coding change: c.1303C>G on transcript NM_024753.5 (MANE Select); coding-DNA position 1303, C replaced by G.
Protein change: p.Leu435Val; replaces leucine 435 with valine.
Molecular consequence: missense variant.
Genome position (GRCh38, 1-based): chr2:165,929,218, G>C on the plus strand (C>G on the coding strand, the complement: TTC21B is on the minus strand). VCF-style: chr2-165929218-G-C. GRCh37 (hg19) VCF-style: chr2-166785728-G-C.
Other names: short protein forms L435V.
Identifiers: ClinVar variation 4992445 (VCV004992445.1).

ClinVar aggregate classification (germline): Uncertain significance (1 of 4 stars; one submission).

Conditions:
TTC21B-related disorder. Also called: TTC21B-related condition; TTC21B-related disorders.

gnomAD v4.1: 1 of 1,612,990 alleles (0.000062%); highest among the groups gnomAD compares: Non-Finnish European, 0.000085%; no homozygotes.

Submission:

PreventionGenetics, part of Exact Sciences
Classification: Uncertain significance for TTC21B-related condition. Last evaluated: 2026-09-15. Review status: criteria provided, single submitter. Criteria: ACMG Guidelines, 2015. Collection method: clinical testing. Allele origin: germline.
Comment: The TTC21B c.1303C>G variant is predicted to result in the amino acid substitution p.Leu435Val. To our knowledge, this variant has not been reported in the literature or in a large population database (gnomAD), indicating this variant is rare. At this time, the clinical significance of this variant is uncertain due to the absence of conclusive functional and genetic evidence.